The following is an entry in ClinVar:

ClinVar aggregate classification (germline): Likely benign. Review status: criteria provided, multiple submitters, no conflicts (2 of 4 stars). 8 submissions from 8 submitters: Likely benign (8). Last evaluated 2026-04-01.

Conditions:
Familial hypercholesterolemia. Also called: Familial hypercholesterolemias; Familial hypercholesterolaemia. Identifiers: MedGen C0020445, MONDO:0005439.
Hypercholesterolemia, autosomal dominant, 3 (FHCL3). Also called: Familial Hypercholesterolemia, Autosomal Dominant, 3; Familial hypercholesterolemia 3; PCSK9-Related Familial Hypercholesterolemia, Autosomal Dominant. Identifiers: MedGen C1863551, MONDO:0011369, OMIM 603776.
Cardiovascular phenotype. Identifiers: MedGen CN230736.

Allele frequency attached by ClinVar (database versions not stated): gnomAD exomes 0.00001 and 0.00002; gnomAD 0.00002 and 0.00003; TOPMed 0.00002; ExAC 0.00006; 1000 Genomes Project 30x 0.00047; 1000 Genomes Project 0.00060.
gnomAD v4.1: 18 of 1,596,482 alleles (0.0011%); highest among the groups gnomAD compares: Admixed American, 0.01%; no homozygotes.

Submissions (8):

CeGaT Center for Human Genetics Tuebingen
Classification: Likely benign. Last evaluated: 2026-04-01. Review status: criteria provided, single submitter. Criteria: CeGaT Center For Human Genetics Tuebingen Variant Classification Criteria Version 2. Collection method: clinical testing. Allele origin: germline. Affected: yes. Observed: 1 variant allele.
Comment: PCSK9: BP4, BP7

Women's Health and Genetics/Laboratory Corporation of America, LabCorp
Classification: Likely benign. Last evaluated: 2025-12-05. Review status: criteria provided, single submitter. Criteria: LabCorp Variant Classification Summary - May 2015. Collection method: clinical testing. Allele origin: germline.

Labcorp Genetics (formerly Invitae), Labcorp
Classification: Likely benign for Hypercholesterolemia, autosomal dominant, 3. Last evaluated: 2025-10-06. Review status: criteria provided, single submitter. Criteria: Invitae Variant Classification Sherloc (09022015). Collection method: clinical testing. Allele origin: germline.

All of Us Research Program, National Institutes of Health
Classification: Likely benign for Hypercholesterolemia, autosomal dominant, 3. Last evaluated: 2024-02-05. Review status: criteria provided, single submitter. Criteria: ACMG Guidelines, 2015. Collection method: clinical testing. Allele origin: germline. Inheritance: Autosomal dominant inheritance. Observed: 4 variant alleles, 4 heterozygotes.
Comment: This study involves interpretation of variants in research participants for the purpose of population health screening. Participant phenotype was not available at the time of variant classification. Additional details can be found in publication PMID: 35346344, PMCID: PMC8962531

GENinCode PLC
Classification: Likely benign for Familial hypercholesterolemia. Last evaluated: 2023-08-03. Review status: criteria provided, single submitter. Criteria: ACMG Guidelines, 2015. Collection method: clinical testing. Allele origin: germline.
Comment: This is a synonymous (silent) variant that is not predicted by SpliceAI to impact splicing. In addition, it occurs at a nucleotide that is not conserved. Therefore this variant has been classified as Likely Benign (BP4, BP7).

Blueprint Genetics
Classification: Likely benign. Last evaluated: 2023-03-28. Review status: criteria provided, single submitter. Criteria: ACMG Guidelines, 2015. Collection method: clinical testing. Allele origin: germline.

Ambry Genetics
Classification: Likely benign for Cardiovascular phenotype. Last evaluated: 2021-04-05. Review status: criteria provided, single submitter. Criteria: Ambry Variant Classification Scheme 2023. Collection method: clinical testing. Allele origin: germline.

Color Diagnostics, LLC DBA Color Health
Classification: Likely benign for Familial hypercholesterolemia. Last evaluated: 2018-11-14. Review status: criteria provided, single submitter. Criteria: ACMG Guidelines, 2015. Collection method: clinical testing. Allele origin: germline.

NM_174936.4(PCSK9):c.885C>T (p.Arg295=)

Gene: PCSK9 (proprotein convertase subtilisin/kexin type 9; plus strand). Cytogenetic location: 1p32.3.
Variant type: single nucleotide variant.
Coding change: c.885C>T on transcript NM_174936.4 (MANE Select); coding-DNA position 885, C replaced by T.
Protein change: p.Arg295=; no amino-acid change (arginine 295 retained).
Molecular consequence: synonymous variant. On other transcripts: non-coding transcript variant (8).
Genome position (GRCh38, 1-based): chr1:55,056,078, C>T. VCF-style: chr1-55056078-C-T. GRCh37 (hg19) VCF-style: chr1-55521751-C-T.
Other names: c.1008C>T, p.Arg336= (NM_001407240.1); c.885C>T, p.Arg295= (NM_001407241.1, NM_001407244.1, NM_001407247.1); c.888C>T, p.Arg296= (NM_001407242.1); c.828C>T, p.Arg276= (NM_001407243.1); c.693C>T, p.Arg231= (NM_001407245.1); c.510C>T, p.Arg170= (NM_001407246.1).
Identifiers: ClinVar variation 926531 (VCV000926531.16), dbSNP rs554884005, ClinGen allele CA044957.